The following is an entry in ClinVar:

ClinVar aggregate classification (germline): Conflicting classifications of pathogenicity. Review status: criteria provided, conflicting classifications (1 of 4 stars). 4 submissions from 4 submitters: Uncertain significance (1); Likely benign (3). Last evaluated 2025-06-24.

Conditions:
NDE1-related disorder. Also called: NDE1-related condition; NDE1-Related Disorders.
Lissencephaly 4 (LIS4). Also called: Lissencephaly 4 (with microcephaly). Identifiers: Orphanet 1083, MedGen C3151461, MONDO:0013527, OMIM 614019.

Allele frequency attached by ClinVar (database versions not stated): ExAC 0.00015; gnomAD exomes 0.00016 and 0.00043; TOPMed 0.00024; gnomAD 0.00025; 1000 Genomes Project 30x 0.00031; ESP Exome Variant Server 0.00038; 1000 Genomes Project 0.00040.
gnomAD v4.1: 668 of 1,613,350 alleles (0.041%); highest among the groups gnomAD compares: Non-Finnish European, 0.052%; no homozygotes.

Submissions (4):

PreventionGenetics, part of Exact Sciences
Classification: Likely benign for NDE1-related condition. Last evaluated: 2025-06-24. Review status: criteria provided, single submitter. Criteria: ACMG Guidelines, 2015. Collection method: clinical testing. Allele origin: germline.
Comment: This variant is classified as likely benign based on ACMG/AMP sequence variant interpretation guidelines (Richards et al. 2015 PMID: 25741868, with internal and published modifications).

Labcorp Genetics (formerly Invitae), Labcorp
Classification: Likely benign. Last evaluated: 2025-01-27. Review status: criteria provided, single submitter. Criteria: Invitae Variant Classification Sherloc (09022015). Collection method: clinical testing. Allele origin: germline.

GeneDx
Classification: Likely benign. Last evaluated: 2020-03-28. Review status: criteria provided, single submitter. Criteria: GeneDx Variant Classification Process June 2021. Collection method: clinical testing. Allele origin: germline. Affected: yes.

Genetic Services Laboratory, University of Chicago
Classification: Uncertain significance for Lissencephaly 4. Last evaluated: 2013-10-04. Review status: criteria provided, single submitter. Criteria: ACMG Guidelines, 2007. Collection method: clinical testing. Allele origin: germline. Inheritance: Autosomal recessive inheritance.

NM_017668.3(NDE1):c.744G>A (p.Ala248=)

Gene: NDE1 (nudE neurodevelopment protein 1; plus strand). Cytogenetic location: 16p13.11.
Variant type: single nucleotide variant.
Coding change: c.744G>A on transcript NM_017668.3 (MANE Select); coding-DNA position 744, G replaced by A.
Protein change: p.Ala248=; no amino-acid change (alanine 248 retained).
Molecular consequence: synonymous variant.
Genome position (GRCh38, 1-based): chr16:15,694,205, G>A. VCF-style: chr16-15694205-G-A. GRCh37 (hg19) VCF-style: chr16-15788062-G-A.
Other names: c.744G>A, p.Ala248= (NM_001143979.2).
Identifiers: ClinVar variation 159018 (VCV000159018.18), dbSNP rs1123418, ClinGen allele CA172621.